The following is an entry in ClinVar:

ClinVar aggregate classification (germline): Uncertain significance (1 of 4 stars; one submission).

Submission:

Labcorp Genetics (formerly Invitae), Labcorp
Classification: Uncertain significance. Last evaluated: 2022-03-28. Review status: criteria provided, single submitter. Criteria: Invitae Variant Classification Sherloc (09022015). Collection method: clinical testing. Allele origin: germline.
Comment: This sequence change replaces glycine, which is neutral and non-polar, with valine, which is neutral and non-polar, at codon 97 of the ECHS1 protein (p.Gly97Val). This variant is not present in population databases (gnomAD no frequency). In summary, the available evidence is currently insufficient to determine the role of this variant in disease. Therefore, it has been classified as a Variant of Uncertain Significance. Algorithms developed to predict the effect of sequence changes on RNA splicing suggest that this variant may create or strengthen a splice site. Advanced modeling of protein sequence and biophysical properties (such as structural, functional, and spatial information, amino acid conservation, physicochemical variation, residue mobility, and thermodynamic stability) performed at Invitae indicates that this missense variant is expected to disrupt ECHS1 protein function. This variant has not been reported in the literature in individuals affected with ECHS1-related conditions.

NM_004092.4(ECHS1):c.290G>T (p.Gly97Val)

Gene: ECHS1 (enoyl-CoA hydratase, short chain 1; minus strand). Cytogenetic location: 10q26.3.
Variant type: single nucleotide variant.
Coding change: c.290G>T on transcript NM_004092.4 (MANE Select); coding-DNA position 290, G replaced by T.
Protein change: p.Gly97Val; replaces glycine 97 with valine.
Molecular consequence: missense variant.
Genome position (GRCh38, 1-based): chr10:133,370,028, C>A on the plus strand (G>T on the coding strand, the complement: ECHS1 is on the minus strand). VCF-style: chr10-133370028-C-A. GRCh37 (hg19) VCF-style: chr10-135183532-C-A.
Other names: short protein forms G97V.
Identifiers: ClinVar variation 1926225 (VCV001926225.5), dbSNP rs2493842585, ClinGen allele CA378822067.
Genomic context (GRCh38, chr10:133,370,028, plus strand): 5'-AAGAACTTGCTGGAGTAACAGTCCTGGAAACTCAGGTTCTGCATTTCCTTGATATCAGCT[C>A]CAGCTAGCAGGAGTGGAAAGGAGGTTCCAGTTACCAGAGAGCAGAGAGCCCACCCATCCT-3'
Protein context (NP_004083.3, residues 87-107): LTGGDKAFAA[Gly97Val]ADIKEMQNLS